The following is an entry in ClinVar:

ClinVar aggregate classification (germline): Uncertain significance (1 of 4 stars; one submission).

Submission:

CeGaT Center for Human Genetics Tuebingen
Classification: Uncertain significance. Last evaluated: 2026-01-01. Review status: criteria provided, single submitter. Criteria: CeGaT Center For Human Genetics Tuebingen Variant Classification Criteria Version 2. Collection method: clinical testing. Allele origin: germline. Affected: yes. Observed: 1 variant allele.
Comment: CEP295: PM2, BP4

NM_033395.2(CEP295):c.5000G>C (p.Ser1667Thr)

Gene: CEP295 (centrosomal protein 295; plus strand). Cytogenetic location: 11q21.
Variant type: single nucleotide variant.
Coding change: c.5000G>C on transcript NM_033395.2 (MANE Select); coding-DNA position 5000, G replaced by C.
Protein change: p.Ser1667Thr; replaces serine 1667 with threonine.
Molecular consequence: missense variant.
Genome position (GRCh38, 1-based): chr11:93,699,912, G>C. VCF-style: chr11-93699912-G-C. GRCh37 (hg19) VCF-style: chr11-93433078-G-C.
Other names: short protein forms S1667T.
Identifiers: ClinVar variation 4822865 (VCV004822865.4).